The following is an entry in ClinVar:

ClinVar aggregate classification (germline): Uncertain significance (1 of 4 stars; one submission).

Conditions:
Atrioventricular septal defect, susceptibility to, 2. Identifiers: MedGen C1853508, MONDO:0011650, OMIM 606217.

gnomAD v4.1: 2 of 1,590,038 alleles (0.00013%); highest among the groups gnomAD compares: Non-Finnish European, 0.00017%; no homozygotes.

Submission:

3billion
Classification: Uncertain significance for Atrioventricular septal defect, susceptibility to, 2. Last evaluated: 2024-01-11. Review status: criteria provided, single submitter. Criteria: ACMG Guidelines, 2015. Collection method: clinical testing. Allele origin: germline. Affected: yes.
Comment: The variant is observed at an extremely low frequency in the gnomAD v2.1.1 dataset (total allele frequency: 0.006%). Predicted Consequence/Location: Intron variant In silico tools predict the variant to alter splicing and produce an abnormal transcript [SpliceAI: 0.61 (>=0.2, moderate evidence for spliceogenicity)]. Therefore, this variant is classified as VUS according to the recommendation of ACMG/AMP guideline.

NM_001077415.3(CRELD1):c.913+84G>A

Gene: CRELD1 (cysteine rich with EGF like domains 1; plus strand). Cytogenetic location: 3p25.3.
Variant type: single nucleotide variant.
Coding change: c.913+84G>A on transcript NM_001077415.3 (MANE Select); 84 bases into the intron after coding-DNA position 913, G replaced by A.
Molecular consequence: intron variant.
Genome position (GRCh38, 1-based): chr3:9,943,256, G>A. VCF-style: chr3-9943256-G-A. GRCh37 (hg19) VCF-style: chr3-9984940-G-A.
Other names: c.913+84G>A (NM_001374317.1, NM_001031717.4, NM_001410713.1 and 3 more transcripts); c.829+84G>A (NM_001374319.1, NM_001374320.1).
Identifiers: ClinVar variation 3775289 (VCV003775289.1).